The following is an entry in ClinVar:

NM_001367624.2(ZNF469):c.3150C>T (p.Leu1050=)

Genes: ZNF469 (zinc finger protein 469; plus strand), LOC130059718 (ATAC-STARR-seq lymphoblastoid silent region 7847; plus strand). Cytogenetic location: 16q24.2.
Variant type: single nucleotide variant.
Coding change: c.3150C>T on transcript NM_001367624.2 (MANE Select); coding-DNA position 3150, C replaced by T.
Protein change: p.Leu1050=; no amino-acid change (leucine 1050 retained).
Molecular consequence: synonymous variant.
Genome position (GRCh38, 1-based): chr16:88,430,620, C>T. VCF-style: chr16-88430620-C-T. GRCh37 (hg19) VCF-style: chr16-88497028-C-T.
Other names: NM_001127464.1:c.3150C>T.
Identifiers: ClinVar variation 391866 (VCV000391866.9), dbSNP rs1020696310, ClinGen allele CA16607127.

ClinVar aggregate classification (germline): Likely benign. Review status: criteria provided, multiple submitters, no conflicts (2 of 4 stars). 4 submissions from 4 submitters: Likely benign (4). Last evaluated 2026-04-06.

Conditions:
Cardiovascular phenotype. Identifiers: MedGen CN230736.

Allele frequency attached by ClinVar (database versions not stated): gnomAD exomes 0.00001; gnomAD 0.00003 and 0.00004; TOPMed 0.00003.
gnomAD v4.1: 50 of 1,502,166 alleles (0.0033%); highest among the groups gnomAD compares: Non-Finnish European, 0.004%; no homozygotes.

Submissions (4):

Women's Health and Genetics/Laboratory Corporation of America, LabCorp
Classification: Likely benign. Last evaluated: 2026-04-06. Review status: criteria provided, single submitter. Criteria: LabCorp Variant Classification Summary - May 2015. Collection method: clinical testing. Allele origin: germline.

Labcorp Genetics (formerly Invitae), Labcorp
Classification: Likely benign. Last evaluated: 2025-12-03. Review status: criteria provided, single submitter. Criteria: Invitae Variant Classification Sherloc (09022015). Collection method: clinical testing. Allele origin: germline.

Ambry Genetics
Classification: Likely benign for Cardiovascular phenotype. Last evaluated: 2020-01-29. Review status: criteria provided, single submitter. Criteria: Ambry Variant Classification Scheme 2023. Collection method: clinical testing. Allele origin: germline.

GeneDx
Classification: Likely benign. Last evaluated: 2016-12-16. Review status: criteria provided, single submitter. Criteria: GeneDx Variant Classification (06012015). Collection method: clinical testing. Allele origin: germline. Affected: yes.
Comment: This variant is considered likely benign or benign based on one or more of the following criteria: it is a conservative change, it occurs at a poorly conserved position in the protein, it is predicted to be benign by multiple in silico algorithms, and/or has population frequency not consistent with disease.